The following is an entry in ClinVar:

NM_000169.3(GLA):c.402T>A (p.Tyr134Ter)

Genes: GLA (galactosidase alpha; minus strand), RPL36A-HNRNPH2 (RPL36A-HNRNPH2 readthrough; plus strand). Cytogenetic location: Xq22.1.
Variant type: single nucleotide variant.
Coding change: c.402T>A on transcript NM_000169.3 (MANE Select); coding-DNA position 402, T replaced by A.
Protein change: p.Tyr134Ter; replaces tyrosine 134 with a stop codon.
Molecular consequence: nonsense. On other transcripts: non-coding transcript variant (3), intron variant (2).
Genome position (GRCh38, 1-based): chrX:101,401,777, A>T on the plus strand (T>A on the coding strand, the complement: GLA is on the minus strand). VCF-style: chrX-101401777-A-T. GRCh37 (hg19) VCF-style: chrX-100656765-A-T.
Other names: c.525T>A, p.Tyr175Ter (NM_001406747.1, NM_001406749.1); c.402T>A, p.Tyr134Ter (NM_001406748.1); c.300+6320A>T (NM_001199973.2); c.177+9955A>T (NM_001199974.2); short protein forms Y175*, Y134*.
Identifiers: ClinVar variation 1737193 (VCV001737193.2), dbSNP rs1183869568, ClinGen allele CA413930604.
Genomic context (GRCh38, chrX:101,401,777, plus strand): 5'-AATGTCGTAGTATCCAAAACTCCCAGGGAAGCCTGCGCAGGTTTTATTTCCAACATCTGC[A>T]TAAATCCCTAGCTTCAGTCCTTTGCTGTGAACCTGAAATGAGAGGGAGGAAAAGAGTCAC-3'

ClinVar aggregate classification (germline): Pathogenic (1 of 4 stars; one submission).

Conditions:
Cardiovascular phenotype. Identifiers: MedGen CN230736.

Submission:

Ambry Genetics
Classification: Pathogenic for Cardiovascular phenotype. Last evaluated: 2021-10-21. Review status: criteria provided, single submitter. Criteria: Ambry Variant Classification Scheme 2023. Collection method: clinical testing. Allele origin: germline.
Comment: The p.Y134* pathogenic mutation (also known as c.402T>A), located in coding exon 3 of the GLA gene, results from a T to A substitution at nucleotide position 402. This changes the amino acid from a tyrosine to a stop codon within coding exon 3. This alteration has been reported in individuals with Fabry disease (Wise AH et al. Mol Genet Metab Rep, 2018 Mar;14:27-30; Schiffmann R et al. J Inherit Metab Dis, 2019 05;42:534-544). This variant is considered to be rare based on population cohorts in the Genome Aggregation Database (gnomAD). In addition, this alteration is expected to result in loss of function by premature protein truncation or nonsense-mediated mRNA decay. As such, this alteration is interpreted as a disease-causing mutation.

Literature cited by the submitters: PubMed 29159076; PubMed 30834538.